The following is an entry in ClinVar:

ClinVar aggregate classification (germline): Pathogenic (1 of 4 stars; one submission).

Submission:

Labcorp Genetics (formerly Invitae), Labcorp
Classification: Pathogenic. Last evaluated: 2025-12-14. Review status: criteria provided, single submitter. Criteria: Invitae Variant Classification Sherloc (09022015). Collection method: clinical testing. Allele origin: germline.
Comment: This sequence change replaces alanine, which is neutral and non-polar, with aspartic acid, which is acidic and polar, at codon 387 of the TUBA1A protein (p.Ala387Asp). This variant is not present in population databases (gnomAD no frequency). This missense change has been observed in individual(s) with TUBA1A-related conditions (internal data). In at least one individual the variant was observed to be de novo. Invitae Evidence Modeling of protein sequence and biophysical properties (such as structural, functional, and spatial information, amino acid conservation, physicochemical variation, residue mobility, and thermodynamic stability) indicates that this missense variant is expected to disrupt TUBA1A protein function with a positive predictive value of 80%. This variant disrupts the p.Ala387 amino acid residue in TUBA1A. Other variant(s) that disrupt this residue have been observed in individuals with TUBA1A-related conditions (PMID: 24392928), which suggests that this may be a clinically significant amino acid residue. For these reasons, this variant has been classified as Pathogenic.

Literature cited by the submitters: PubMed 24392928.

NM_006009.4(TUBA1A):c.1160C>A (p.Ala387Asp)

Gene: TUBA1A (tubulin alpha 1a; minus strand). Cytogenetic location: 12q13.12.
Variant type: single nucleotide variant.
Coding change: c.1160C>A on transcript NM_006009.4 (MANE Select); coding-DNA position 1160, C replaced by A.
Protein change: p.Ala387Asp; replaces alanine 387 with aspartic acid.
Molecular consequence: missense variant.
Genome position (GRCh38, 1-based): chr12:49,185,206, G>T on the plus strand (C>A on the coding strand, the complement: TUBA1A is on the minus strand). VCF-style: chr12-49185206-G-T. GRCh37 (hg19) VCF-style: chr12-49578989-G-T.
Other names: c.1160C>A, p.Ala387Asp (NM_001270399.2); c.1055C>A, p.Ala352Asp (NM_001270400.2); short protein forms A352D, A387D.
Identifiers: ClinVar variation 4745169 (VCV004745169.1).
Genomic context (GRCh38, chr12:49,185,206, plus strand): 5'-CAGTGAACAAAGGCACGTTTGGCATACATCAGGTCAAACTTGTGGTCCAGGCGAGCCCAG[G>T]CCTCAGCAATGGCTGTGGTGTTGCTCAGCATGCACACAGCTCTCTGTACCTTGGCCAGGT-3'
Protein context (NP_006000.2, residues 377-397): MLSNTTAIAE[Ala387Asp]WARLDHKFDL